The following is an entry in ClinVar:

NM_018245.3(OGDHL):c.129C>T (p.Ser43=)

Gene: OGDHL (oxoglutarate dehydrogenase L; minus strand). Cytogenetic location: 10q11.23.
Variant type: single nucleotide variant.
Coding change: c.129C>T on transcript NM_018245.3 (MANE Select); coding-DNA position 129, C replaced by T.
Protein change: p.Ser43=; no amino-acid change (serine 43 retained).
Molecular consequence: synonymous variant. On other transcripts: 5 prime UTR variant (3), non-coding transcript variant (4), intron variant (2).
Genome position (GRCh38, 1-based): chr10:49,758,464, G>A on the plus strand (C>T on the coding strand, the complement: OGDHL is on the minus strand). VCF-style: chr10-49758464-G-A. GRCh37 (hg19) VCF-style: chr10-50966510-G-A.
Other names: c.129C>T, p.Ser43= (NM_001143996.2, NM_001347819.1, NM_001347820.1 and 2 more transcripts); c.-810C>T (NM_001347821.2, NM_001347825.2); c.-798C>T (NM_001347826.1); c.-253+3869C>T (NM_001347822.1); c.-253+3775C>T (NM_001143997.2).
Identifiers: ClinVar variation 3039370 (VCV003039370.3), dbSNP rs145183489, ClinGen allele CA5499043.
Genomic context (GRCh38, chr10:49,758,464, plus strand): 5'-GGGGTTTTCCAACCAGGCGAAGTACATCTCCTCCATGTAACTGGAGCCGCCTCCACCTTT[G>A]CTGCTTGGGAAGGTGGCCGGTGGCCCGGAGGACCTGCTGCGCCAGCCAAACACCGGGACG-3'
Protein context (NP_060715.2, residues 33-53): SSGPPATFPS[Ser43=]KGGGGSSYME

ClinVar aggregate classification (germline): Likely benign. Review status: criteria provided, single submitter (1 of 4 stars). 2 submissions from 2 submitters: Likely benign (1). 1 of the submissions does not count toward it. Last evaluated 2024-10-11.

Conditions:
OGDHL-related disorder. Also called: OGDHL-related condition.

Allele frequency attached by ClinVar (database versions not stated): 1000 Genomes Project 30x 0.00094; 1000 Genomes Project 0.00100; ESP Exome Variant Server 0.00108.
gnomAD v4.1: 1,063 of 1,613,956 alleles (0.066%); highest among the groups gnomAD compares: Middle Eastern, 0.31%; 2 homozygotes.

Submissions (2):

Blueprint Genetics
Classification: Likely benign. Last evaluated: 2024-10-11. Review status: criteria provided, single submitter. Criteria: ACMG Guidelines, 2015. Collection method: clinical testing. Allele origin: germline.

PreventionGenetics, part of Exact Sciences
Classification: Likely benign for OGDHL-related condition. Last evaluated: 2019-05-24. Review status: no assertion criteria provided. Collection method: clinical testing. Allele origin: germline. Not counted in ClinVar's aggregate classification.
Comment: This variant is classified as likely benign based on ACMG/AMP sequence variant interpretation guidelines (Richards et al. 2015 PMID: 25741868, with internal and published modifications).